The following is an entry in ClinVar:

NM_001276700.2(NLRP6):c.29+250G>A

Gene: NLRP6 (NLR family pyrin domain containing 6; plus strand). Cytogenetic location: 11p15.5.
Variant type: single nucleotide variant.
Coding change: c.29+250G>A on transcript NM_001276700.2 (MANE Select); 250 bases into the intron after coding-DNA position 29, G replaced by A.
Molecular consequence: intron variant.
Genome position (GRCh38, 1-based): chr11:278,848, G>A. VCF-style: chr11-278848-G-A. GRCh37 (hg19) VCF-style: chr11-278848-G-A.
Other names: c.29+250G>A (NM_138329.2).
Identifiers: ClinVar variation 103246 (VCV000103246.2), dbSNP rs199475790, ClinGen allele CA230312.

ClinVar aggregate classification (germline): not provided (0 of 4 stars; one submission).

Allele frequency attached by ClinVar (database versions not stated): gnomAD 0.00420 and 0.00444; 1000 Genomes Project 0.00439; 1000 Genomes Project 30x 0.00453; TOPMed 0.00483.
gnomAD v4.1: 635 of 152,332 alleles (0.42%); highest among the groups gnomAD compares: African/African-American, 1.5%; 5 homozygotes.

Submission:

Human Evolutionary Genetics, Institut Pasteur
No classification provided. Review status: no classification provided. Collection method: not provided. Allele origin: germline.
ClinVar note: Converted during submission from untested to not provided.